The following is an entry in ClinVar:

ClinVar aggregate classification (germline): Uncertain significance (1 of 4 stars; one submission).

Conditions:
Hereditary pancreatitis (PCTT). Also called: Hereditary chronic pancreatitis; PRSS1-Related Hereditary Pancreatitis. Identifiers: Orphanet 676, MedGen C0238339, MONDO:0008185, OMIM 167800.

Allele frequency attached by ClinVar (database versions not stated): TOPMed 0.00001; gnomAD exomes 0.00005; gnomAD 0.00009; ExAC 0.00021; 1000 Genomes Project 0.00120; 1000 Genomes Project 30x 0.00125.
gnomAD v4.1: 87 of 1,314,280 alleles (0.0066%); highest among the groups gnomAD compares: South Asian, 0.24%; no homozygotes.

Submission:

Ambry Genetics
Classification: Uncertain significance for Hereditary pancreatitis. Last evaluated: 2024-08-09. Review status: criteria provided, single submitter. Criteria: Ambry Variant Classification Scheme 2023. Collection method: clinical testing. Allele origin: germline.
Comment: The c.-1C>G variant is located in the 5' untranslated region (5&rsquo; UTR) of the CPA1 gene. This variant results from a C to G substitution 1 bases upstream from the first translated codon. This nucleotide position is highly conserved in available vertebrate species. Based on the available evidence, the clinical significance of this variant remains unclear.

NM_001868.4(CPA1):c.-1C>G

Gene: CPA1 (carboxypeptidase A1; plus strand). Cytogenetic location: 7q32.2.
Variant type: single nucleotide variant.
Coding change: c.-1C>G on transcript NM_001868.4 (MANE Select); 1 bases upstream of the start codon, C replaced by G.
Molecular consequence: 5 prime UTR variant.
Genome position (GRCh38, 1-based): chr7:130,380,520, C>G. VCF-style: chr7-130380520-C-G. GRCh37 (hg19) VCF-style: chr7-130020361-C-G.
Identifiers: ClinVar variation 1784184 (VCV001784184.3), dbSNP rs558570962, ClinGen allele CA4484643.